The following is an entry in ClinVar:

NM_001429.4(EP300):c.5322A>G (p.Lys1774=)

Gene: EP300 (EP300 lysine acetyltransferase; plus strand). Cytogenetic location: 22q13.2.
Variant type: single nucleotide variant.
Coding change: c.5322A>G on transcript NM_001429.4 (MANE Select); coding-DNA position 5322, A replaced by G.
Protein change: p.Lys1774=; no amino-acid change (lysine 1774 retained).
Molecular consequence: synonymous variant.
Genome position (GRCh38, 1-based): chr22:41,177,033, A>G. VCF-style: chr22-41177033-A-G. GRCh37 (hg19) VCF-style: chr22-41573037-A-G.
Other names: c.5244A>G, p.Lys1748= (NM_001362843.2).
Identifiers: ClinVar variation 5001244 (VCV005001244.1).

ClinVar aggregate classification (germline): Likely benign (1 of 4 stars; one submission).

Conditions:
EP300-related disorder. Also called: EP300-related condition; EP300-related disorders.

gnomAD v4.1: 1 of 1,614,148 alleles (0.000062%); no homozygotes.

Submission:

PreventionGenetics, part of Exact Sciences
Classification: Likely benign for EP300-related condition. Last evaluated: 2024-10-16. Review status: criteria provided, single submitter. Criteria: ACMG Guidelines, 2015. Collection method: clinical testing. Allele origin: germline.
Comment: This variant is classified as likely benign based on ACMG/AMP sequence variant interpretation guidelines (Richards et al. 2015 PMID: 25741868, with internal and published modifications).